The following is an entry in ClinVar:

ClinVar aggregate classification (germline): Uncertain significance (1 of 4 stars; one submission).

Conditions:
Epilepsy, X-linked 1, with variable learning disabilities and behavior disorders. Also called: X-linked epilepsy-learning disabilities-behavior disorders syndrome. Identifiers: Orphanet 85294, MedGen C5774177, MONDO:0010339, OMIM 300491.

gnomAD v4.1: 2 of 1,159,848 alleles (0.00017%); highest among the groups gnomAD compares: Non-Finnish European, 0.00023%; no homozygotes.

Submission:

Labcorp Genetics (formerly Invitae), Labcorp
Classification: Uncertain significance for Epilepsy, X-linked 1, with variable learning disabilities and behavior disorders. Last evaluated: 2020-04-14. Review status: criteria provided, single submitter. Criteria: Invitae Variant Classification Sherloc (09022015). Collection method: clinical testing. Allele origin: germline.
Comment: In summary, the available evidence is currently insufficient to determine the role of this variant in disease. Therefore, it has been classified as a Variant of Uncertain Significance. Algorithms developed to predict the effect of missense changes on protein structure and function are either unavailable or do not agree on the potential impact of this missense change (SIFT: "Deleterious"; PolyPhen-2: "Benign"; Align-GVGD: "Class C0"). This variant has not been reported in the literature in individuals with SYN1-related conditions. The frequency data for this variant in the population databases is considered unreliable, as metrics indicate insufficient coverage at this position in the ExAC database. This sequence change replaces proline with leucine at codon 34 of the SYN1 protein (p.Pro34Leu). The proline residue is weakly conserved and there is a moderate physicochemical difference between proline and leucine.

NM_006950.3(SYN1):c.101C>T (p.Pro34Leu)

Gene: SYN1 (synapsin I; minus strand). Cytogenetic location: Xp11.23.
Variant type: single nucleotide variant.
Coding change: c.101C>T on transcript NM_006950.3 (MANE Select); coding-DNA position 101, C replaced by T.
Protein change: p.Pro34Leu; replaces proline 34 with leucine.
Molecular consequence: missense variant.
Genome position (GRCh38, 1-based): chrX:47,619,628, G>A on the plus strand (C>T on the coding strand, the complement: SYN1 is on the minus strand). VCF-style: chrX-47619628-G-A. GRCh37 (hg19) VCF-style: chrX-47479027-G-A.
Other names: c.101C>T, p.Pro34Leu (NM_133499.2); short protein forms P34L.
Identifiers: ClinVar variation 1061687 (VCV001061687.9), dbSNP rs2147933524, ClinGen allele CA412832124.